The following is an entry in ClinVar:

ClinVar aggregate classification (germline): Likely pathogenic (1 of 4 stars; one submission).

Submission:

GeneDx
Classification: Likely pathogenic. Last evaluated: 2024-10-10. Review status: criteria provided, single submitter. Criteria: GeneDx Variant Classification Process June 2021. Collection method: clinical testing. Allele origin: germline.
Comment: In-frame deletion of 1 amino acid(s) in a non-repeat region; Not observed at significant frequency in large population cohorts (gnomAD); In silico analysis supports a deleterious effect on protein structure/function; This variant is associated with the following publications: (PMID: 22035731, 17213338, 21300340)

NM_000216.4(ANOS1):c.488GTT[1] (p.Cys164del)

Gene: ANOS1 (anosmin 1; minus strand). Cytogenetic location: Xp22.31.
Variant type: Microsatellite.
Coding change: c.488GTT[1] on transcript NM_000216.4 (MANE Select); one copy of the 3-base unit GTT starting at c.488; the reference has two copies in a row; one copy, 3 bases deleted.
Protein change: p.Cys164del; deletes cysteine 164.
Molecular consequence: inframe deletion.
Genome position (GRCh38, 1-based): chrX:8,597,082-8,597,084, AAC deleted on the plus strand (GTT on the coding strand, the reverse complement: ANOS1 is on the minus strand); deleting any 3 consecutive bases within chrX:8,597,082-8,597,088 gives the same sequence; the position shown is the placement nearest the transcript's 3' end. VCF-style (leftmost placement, unchanged base first): chrX-8597081-GAAC-G. GRCh37 (hg19) VCF-style: chrX-8565122-GAAC-G.
Other names: short protein forms C164del.
Identifiers: ClinVar variation 3252737 (VCV003252737.2), dbSNP rs2518500152.